The following is an entry in ClinVar:

NM_002907.4(RECQL):c.521A>C (p.His174Pro)

Gene: RECQL (RecQ like helicase; minus strand). Cytogenetic location: 12p12.1.
Variant type: single nucleotide variant.
Coding change: c.521A>C on transcript NM_002907.4 (MANE Select); coding-DNA position 521, A replaced by C.
Protein change: p.His174Pro; replaces histidine 174 with proline.
Molecular consequence: missense variant.
Genome position (GRCh38, 1-based): chr12:21,483,555, T>G on the plus strand (A>C on the coding strand, the complement: RECQL is on the minus strand). VCF-style: chr12-21483555-T-G. GRCh37 (hg19) VCF-style: chr12-21636489-T-G.
Other names: c.521A>C, p.His174Pro (NM_032941.3); short protein forms H174P.
Identifiers: ClinVar variation 3944214 (VCV003944214.1).

ClinVar aggregate classification (germline): Uncertain significance (1 of 4 stars; one submission).

Submission:

Ambry Genetics
Classification: Uncertain significance. Last evaluated: 2025-05-04. Review status: criteria provided, single submitter. Criteria: Ambry Variant Classification Scheme 2023. Collection method: clinical testing. Allele origin: germline.
Comment: The p.H174P variant (also known as c.521A>C), located in coding exon 5 of the RECQL gene, results from an A to C substitution at nucleotide position 521. The histidine at codon 174 is replaced by proline, an amino acid with similar properties. This amino acid position is conserved. In addition, the in silico prediction for this alteration is inconclusive. Based on the available evidence, the clinical significance of this variant remains unclear.